The following is an entry in ClinVar:

ClinVar aggregate classification (germline): Likely benign. Review status: criteria provided, single submitter (1 of 4 stars). 2 submissions from 2 submitters: Likely benign (1). 1 of the submissions does not count toward it. Last evaluated 2025-07-15.

Conditions:
VPS13B-related disorder. Also called: VPS13B-related condition.
Cohen syndrome (COH1). Also called: Cutis verticis gyrata, retinitis pigmentosa, and sensorineural deafness; PEPPER SYNDROME. Identifiers: Orphanet 193, MedGen C0265223, MONDO:0008999, OMIM 216550.

Allele frequency attached by ClinVar (database versions not stated): gnomAD exomes below 0.00001; TOPMed below 0.00001.
gnomAD v4.1: 1 of 1,613,178 alleles (0.000062%); highest among the groups gnomAD compares: Non-Finnish European, 0.000085%; no homozygotes.

Submissions (2):

Labcorp Genetics (formerly Invitae), Labcorp
Classification: Likely benign for Cohen syndrome. Last evaluated: 2025-07-15. Review status: criteria provided, single submitter. Criteria: Invitae Variant Classification Sherloc (09022015). Collection method: clinical testing. Allele origin: germline.

PreventionGenetics, part of Exact Sciences
Classification: Likely benign for VPS13B-related condition. Last evaluated: 2023-01-11. Review status: no assertion criteria provided. Collection method: clinical testing. Allele origin: germline. Not counted in ClinVar's aggregate classification.
Comment: This variant is classified as likely benign based on ACMG/AMP sequence variant interpretation guidelines (Richards et al. 2015 PMID: 25741868, with internal and published modifications).

NM_152564.5(VPS13B):c.11495+8T>C

Gene: VPS13B (vacuolar protein sorting 13 homolog B; plus strand). Cytogenetic location: 8q22.2.
Variant type: single nucleotide variant.
Coding change: c.11495+8T>C on transcript NM_152564.5 (MANE Select); 8 bases into the intron after coding-DNA position 11495, T replaced by C.
Molecular consequence: intron variant.
Genome position (GRCh38, 1-based): chr8:99,870,895, T>C. VCF-style: chr8-99870895-T-C. GRCh37 (hg19) VCF-style: chr8-100883123-T-C.
Other names: c.11570+8T>C (NM_017890.5); c.11495+8T>C (NM_152564.4).
Identifiers: ClinVar variation 1084699 (VCV001084699.10), dbSNP rs942243380, ClinGen allele CA182331196.